The following is an entry in ClinVar:

NM_002900.3(RBP3):c.299C>T (p.Pro100Leu)

Gene: RBP3 (retinol binding protein 3; plus strand). Cytogenetic location: 10q11.22.
Variant type: single nucleotide variant.
Coding change: c.299C>T on transcript NM_002900.3 (MANE Select); coding-DNA position 299, C replaced by T.
Protein change: p.Pro100Leu; replaces proline 100 with leucine.
Molecular consequence: missense variant.
Genome position (GRCh38, 1-based): chr10:47,348,783, C>T. VCF-style: chr10-47348783-C-T. GRCh37 (hg19) VCF-style: chr10-48390579-G-A.
Other names: short protein forms P100L.
Identifiers: ClinVar variation 597526 (VCV000597526.18), dbSNP rs143076262, ClinGen allele CA5487819.
Genomic context (GRCh38, chr10:47,348,783, plus strand): 5'-GCTCCCTGAACGATCCTCGCCTGGTCATCTCCTATGAGCCCAGCACCCCCGAGCCTCCCC[C>T]ACAAGTCCCAGCACTCACCAGCCTCTCAGAAGAGGAACTGCTTGCCTGGCTGCAAAGGGG-3'
Protein context (NP_002891.1, residues 90-110): SYEPSTPEPP[Pro100Leu]QVPALTSLSE

ClinVar aggregate classification (germline): Conflicting classifications of pathogenicity. Review status: criteria provided, conflicting classifications (1 of 4 stars). 4 submissions from 4 submitters: Uncertain significance (2); Likely benign (2). Last evaluated 2026-01-15.

Allele frequency attached by ClinVar (database versions not stated): 1000 Genomes Project 0.00040; 1000 Genomes Project 30x 0.00047; ESP Exome Variant Server 0.00115; TOPMed 0.00116; gnomAD 0.00121.

Submissions (4):

Labcorp Genetics (formerly Invitae), Labcorp
Classification: Likely benign. Last evaluated: 2026-01-15. Review status: criteria provided, single submitter. Criteria: Invitae Variant Classification Sherloc (09022015). Collection method: clinical testing. Allele origin: germline.

GeneDx
Classification: Uncertain significance. Last evaluated: 2025-09-15. Review status: criteria provided, single submitter. Criteria: GeneDx Variant Classification Process June 2021. Collection method: clinical testing. Allele origin: germline. Affected: yes.
Comment: In silico analysis does not support a benign or deleterious effect of this variant on protein structure/function; Has not been previously published as pathogenic or benign to our knowledge

Blueprint Genetics
Classification: Likely benign. Last evaluated: 2024-07-16. Review status: criteria provided, single submitter. Criteria: ACMG Guidelines, 2015. Collection method: clinical testing. Allele origin: germline.

Eurofins Ntd Llc (ga)
Classification: Uncertain significance. Last evaluated: 2018-06-19. Review status: criteria provided, single submitter. Criteria: EGL ClinVar v180209 classification definitions. Collection method: clinical testing. Allele origin: germline. Observed: 1 variant allele, 1 heterozygote.